The following is an entry in ClinVar:

NM_000135.4(FANCA):c.3858C>A (p.His1286Gln)

Genes: ZNF276 (zinc finger protein 276; plus strand), FANCA (FA complementation group A; minus strand). Cytogenetic location: 16q24.3.
Variant type: single nucleotide variant.
Coding change: c.3858C>A on transcript NM_000135.4 (MANE Select); coding-DNA position 3858, C replaced by A.
Protein change: p.His1286Gln; replaces histidine 1286 with glutamine.
Molecular consequence: missense variant. On other transcripts: 3 prime UTR variant (2), non-coding transcript variant (4).
Genome position (GRCh38, 1-based): chr16:89,740,070, G>T on the plus strand (C>A on the coding strand, the complement: FANCA is on the minus strand). VCF-style: chr16-89740070-G-T. GRCh37 (hg19) VCF-style: chr16-89806478-G-T.
Other names: c.3858C>A, p.His1286Gln (NM_001286167.3); c.*1824G>T (NM_001113525.2, NM_152287.4); short protein forms H1286Q.
Identifiers: ClinVar variation 408165 (VCV000408165.10), dbSNP rs761705192, ClinGen allele CA16615028.

ClinVar aggregate classification (germline): Uncertain significance. Review status: criteria provided, multiple submitters, no conflicts (2 of 4 stars). 3 submissions from 3 submitters: Uncertain significance (2). 1 of the submissions does not count toward it. Last evaluated 2025-03-31.

Conditions:
Fanconi anemia (FA). Also called: Fanconi's anemia. Identifiers: Orphanet 84, MedGen C0015625, MeSH D005199, MONDO:0019391.
Inborn genetic diseases. Identifiers: MedGen C0950123, MeSH D030342.

Allele frequency attached by ClinVar (database versions not stated): TOPMed 0.00001.
gnomAD v4.1: 4 of 1,614,160 alleles (0.00025%); highest among the groups gnomAD compares: Non-Finnish European, 0.00034%; no homozygotes.

Submissions (3):

Ambry Genetics
Classification: Uncertain significance for Inborn genetic diseases. Last evaluated: 2025-03-31. Review status: criteria provided, single submitter. Criteria: Ambry Variant Classification Scheme 2023. Collection method: clinical testing. Allele origin: germline.
Comment: The p.H1286Q variant (also known as c.3858C>A), located in coding exon 39 of the FANCA gene, results from a C to A substitution at nucleotide position 3858. The histidine at codon 1286 is replaced by glutamine, an amino acid with highly similar properties. This amino acid position is conserved. In addition, this alteration is predicted to be tolerated by in silico analysis. Based on the available evidence, the clinical significance of this variant remains unclear.

Labcorp Genetics (formerly Invitae), Labcorp
Classification: Uncertain significance for Fanconi anemia. Last evaluated: 2021-08-27. Review status: criteria provided, single submitter. Criteria: Invitae Variant Classification Sherloc (09022015). Collection method: clinical testing. Allele origin: germline.
Comment: This sequence change replaces histidine with glutamine at codon 1286 of the FANCA protein (p.His1286Gln). The histidine residue is weakly conserved and there is a small physicochemical difference between histidine and glutamine. This variant is not present in population databases (ExAC no frequency). This variant has not been reported in the literature in individuals affected with FANCA-related conditions. Algorithms developed to predict the effect of missense changes on protein structure and function (SIFT, PolyPhen-2, Align-GVGD) all suggest that this variant is likely to be tolerated. In summary, the available evidence is currently insufficient to determine the role of this variant in disease. Therefore, it has been classified as a Variant of Uncertain Significance.

Natera, Inc.
Classification: Uncertain significance for Fanconi anemia. Last evaluated: 2020-12-02. Review status: no assertion criteria provided. Collection method: clinical testing. Allele origin: germline. Not counted in ClinVar's aggregate classification.